The following is an entry in ClinVar:

ClinVar aggregate classification (germline): Uncertain significance. Review status: criteria provided, multiple submitters, no conflicts (2 of 4 stars). 2 submissions from 2 submitters: Uncertain significance (2). Last evaluated 2021-05-31.

Conditions:
Hereditary cancer-predisposing syndrome. Also called: Neoplastic Syndromes, Hereditary; Tumor predisposition; Hereditary Cancer Syndrome; Hereditary neoplastic syndrome. Identifiers: Orphanet 140162, MedGen C0027672, MeSH D009386, MONDO:0015356.
Familial adenomatous polyposis 1 (FAP1). Also called: FAMILIAL ADENOMATOUS POLYPOSIS 1, ATTENUATED; POLYPOSIS, ADENOMATOUS INTESTINAL. Identifiers: MedGen C2713442, MONDO:0021056, OMIM 175100. Disease mechanism: loss of function.

Submissions (2):

Labcorp Genetics (formerly Invitae), Labcorp
Classification: Uncertain significance for Familial adenomatous polyposis 1. Last evaluated: 2021-05-31. Review status: criteria provided, single submitter. Criteria: Invitae Variant Classification Sherloc (09022015). Collection method: clinical testing. Allele origin: germline.
Comment: This sequence change replaces serine with isoleucine at codon 1081 of the APC protein (p.Ser1081Ile). The serine residue is moderately conserved and there is a large physicochemical difference between serine and isoleucine. This variant is not present in population databases (ExAC no frequency). This variant has not been reported in the literature in individuals with APC-related conditions. ClinVar contains an entry for this variant (Variation ID: 482493). Algorithms developed to predict the effect of missense changes on protein structure and function are either unavailable or do not agree on the potential impact of this missense change (SIFT: "Deleterious"; PolyPhen-2: "Benign"; Align-GVGD: "Class C15"). In summary, the available evidence is currently insufficient to determine the role of this variant in disease. Therefore, it has been classified as a Variant of Uncertain Significance.

Ambry Genetics
Classification: Uncertain significance for Hereditary cancer-predisposing syndrome. Last evaluated: 2017-06-30. Review status: criteria provided, single submitter. Criteria: Ambry Variant Classification Scheme 2023. Collection method: clinical testing. Allele origin: germline.
Comment: The p.S1081I variant (also known as c.3242G>T), located in coding exon 15 of the APC gene, results from a G to T substitution at nucleotide position 3242. The serine at codon 1081 is replaced by isoleucine, an amino acid with dissimilar properties. This amino acid position is not well conserved in available vertebrate species. In addition, in silico predictors for this gene do not accurately predict pathogenicity. Since supporting evidence is limited at this time, the clinical significance of this alteration remains unclear.

NM_000038.6(APC):c.3242G>T (p.Ser1081Ile)

Gene: APC (APC regulator of Wnt signaling pathway; plus strand). Cytogenetic location: 5q22.2.
Variant type: single nucleotide variant.
Coding change: c.3242G>T on transcript NM_000038.6 (MANE Select); coding-DNA position 3242, G replaced by T.
Protein change: p.Ser1081Ile; replaces serine 1081 with isoleucine.
Molecular consequence: missense variant.
Genome position (GRCh38, 1-based): chr5:112,838,836, G>T. VCF-style: chr5-112838836-G-T. GRCh37 (hg19) VCF-style: chr5-112174533-G-T.
Other names: c.3242G>T, p.Ser1081Ile (NM_001127510.3, NM_001354895.2); c.3188G>T, p.Ser1063Ile (NM_001127511.3); c.3296G>T, p.Ser1099Ile (NM_001354896.2); c.3272G>T, p.Ser1091Ile (NM_001354897.2); c.3167G>T, p.Ser1056Ile (NM_001354898.2); c.3158G>T, p.Ser1053Ile (NM_001354899.2); c.3119G>T, p.Ser1040Ile (NM_001354900.2); c.3065G>T, p.Ser1022Ile (NM_001354901.2); and 5 more; short protein forms S1063I, S1081I, S1099I, S921I, S955I, S1022I, S990I, S1040I.
Identifiers: ClinVar variation 482493 (VCV000482493.13), dbSNP rs374380039, ClinGen allele CA16028446.
Genomic context (GRCh38, chr5:112,838,836, plus strand): 5'-AACAAAGTGAGCAAAGACAATCAAGGAATCAAAGTACAACTTATCCTGTTTATACTGAGA[G>T]CACTGATGATAAACACCTCAAGTTCCAACCACATTTTGGACAGCAGGAATGTGTTTCTCC-3'
Protein context (NP_000029.2, residues 1071-1091): QSTTYPVYTE[Ser1081Ile]TDDKHLKFQP